The following is an entry in ClinVar:

ClinVar aggregate classification (germline): Benign (1 of 4 stars; one submission).

gnomAD v4.1: 19,935 of 1,614,106 alleles (1.2%); highest among the groups gnomAD compares: Middle Eastern, 1.5%; 173 homozygotes.

Submission:

CeGaT Center for Human Genetics Tuebingen
Classification: Benign. Last evaluated: 2025-12-01. Review status: criteria provided, single submitter. Criteria: CeGaT Center For Human Genetics Tuebingen Variant Classification Criteria Version 2. Collection method: clinical testing. Allele origin: germline. Affected: yes. Observed: 2 variant alleles.
Comment: CSNK1D: BP4, BP7, BS1, BS2

NM_001893.6(CSNK1D):c.858C>T (p.Tyr286=)

Gene: CSNK1D (casein kinase 1 delta; minus strand). Cytogenetic location: 17q25.3.
Variant type: single nucleotide variant.
Coding change: c.858C>T on transcript NM_001893.6 (MANE Select); coding-DNA position 858, C replaced by T.
Protein change: p.Tyr286=; no amino-acid change (tyrosine 286 retained).
Molecular consequence: synonymous variant. On other transcripts: non-coding transcript variant (1).
Genome position (GRCh38, 1-based): chr17:82,251,406, G>A on the plus strand (C>T on the coding strand, the complement: CSNK1D is on the minus strand). VCF-style: chr17-82251406-G-A. GRCh37 (hg19) VCF-style: chr17-80209282-G-A.
Other names: c.858C>T, p.Tyr286= (NM_001363749.2, NM_139062.4).
Identifiers: ClinVar variation 3387900 (VCV003387900.14).